The following is an entry in ClinVar:

NM_001375765.1(GIGYF1):c.482+8G>C

Gene: GIGYF1 (GRB10 interacting GYF protein 1; minus strand). Cytogenetic location: 7q22.1.
Variant type: single nucleotide variant.
Coding change: c.482+8G>C on transcript NM_001375765.1 (MANE Select); 8 bases into the intron after coding-DNA position 482, G replaced by C.
Molecular consequence: intron variant.
Genome position (GRCh38, 1-based): chr7:100,687,290, C>G on the plus strand (G>C on the coding strand, the complement: GIGYF1 is on the minus strand). VCF-style: chr7-100687290-C-G. GRCh37 (hg19) VCF-style: chr7-100284913-C-G.
Other names: NM_022574.4:c.482+8G>C; c.482+8G>C (NM_001375760.1, NM_001375764.1, NM_001375766.1 and 6 more transcripts).
Identifiers: ClinVar variation 1279754 (VCV001279754.4), dbSNP rs221796, ClinGen allele CA4389016.
Genomic context (GRCh38, chr7:100,687,290, plus strand): 5'-AGCGACAGGGCCCAGGCCTCCCCTCCCTGGCCTGCCCGGCTCTGCGCCATGCCCCCTCCC[C>G]GCCCCACCTGTCATCCCAGCTCTGGCTGCGCTGGATTTCCCGGGGGCTTCGTCCAAAGGC-3'

ClinVar aggregate classification (germline): Benign. Review status: criteria provided, multiple submitters, no conflicts (2 of 4 stars). 3 submissions from 3 submitters: Benign (2). 1 of the submissions does not count toward it. Last evaluated 2020-02-04.

Conditions:
GIGYF1-related disorder. Also called: GIGYF1-related condition.

Allele frequency attached by ClinVar (database versions not stated): 1000 Genomes Project 0.90994; 1000 Genomes Project 30x 0.91349; ESP Exome Variant Server 0.92169; TOPMed 0.92667.
gnomAD v4.1: 1,438,455 of 1,611,220 alleles (89%); highest among the groups gnomAD compares: African/African-American, 97%; 643,189 homozygotes.

Submissions (3):

GeneDx
Classification: Benign. Last evaluated: 2020-02-04. Review status: criteria provided, single submitter. Criteria: GeneDx Variant Classification Process June 2021. Collection method: clinical testing. Allele origin: germline. Affected: yes.

Breakthrough Genomics
Classification: Benign. Review status: criteria provided, single submitter. Criteria: ACMG Guidelines, 2015. Collection method: not provided. Allele origin: germline. Inheritance: Unknown mechanism. Affected: yes.

PreventionGenetics, part of Exact Sciences
Classification: Benign for GIGYF1-related condition. Last evaluated: 2019-10-17. Review status: no assertion criteria provided. Collection method: clinical testing. Allele origin: germline. Not counted in ClinVar's aggregate classification.
Comment: This variant is classified as benign based on ACMG/AMP sequence variant interpretation guidelines (Richards et al. 2015 PMID: 25741868, with internal and published modifications).